The following is an entry in ClinVar:

NM_032188.3(KAT8):c.931_932delinsCT (p.Gly311Leu)

Gene: KAT8 (lysine acetyltransferase 8; plus strand). Cytogenetic location: 16p11.2.
Variant type: Indel.
Coding change: c.931_932delinsCT on transcript NM_032188.3 (MANE Select); coding-DNA positions 931 to 932, GG replaced by CT.
Protein change: p.Gly311Leu; replaces glycine 311 with leucine.
Molecular consequence: missense variant.
Genome position (GRCh38, 1-based): chr16:31,130,285-31,130,286, GG replaced by CT. VCF-style: chr16-31130285-GG-CT. GRCh37 (hg19) VCF-style: chr16-31141606-GG-CT.
Other names: c.931_932delinsCT, p.Gly311Leu (NM_182958.4); short protein forms G311L.
Identifiers: ClinVar variation 3345108 (VCV003345108.1).

ClinVar aggregate classification (germline): Uncertain significance (0 of 4 stars; one submission).

Conditions:
KAT8-related disorder. Also called: KAT8-related condition.

Submission:

PreventionGenetics, part of Exact Sciences
Classification: Uncertain significance for KAT8-related condition. Last evaluated: 2024-07-03. Review status: no assertion criteria provided. Collection method: clinical testing. Allele origin: germline.
Comment: The KAT8 c.931_932delinsCT variant is predicted to result in an in-frame deletion and insertion. To our knowledge, this variant has not been reported in the literature or in a large population database, indicating this variant is rare. At this time, the clinical significance of this variant is uncertain due to the absence of conclusive functional and genetic evidence.